The following is an entry in ClinVar:

ClinVar aggregate classification (germline): Likely pathogenic (1 of 4 stars; one submission).

Submission:

Labcorp Genetics (formerly Invitae), Labcorp
Classification: Likely pathogenic. Last evaluated: 2025-05-11. Review status: criteria provided, single submitter. Criteria: Invitae Variant Classification Sherloc (09022015). Collection method: clinical testing. Allele origin: germline.
Comment: This sequence change affects an acceptor splice site in intron 56 of the COL11A2 gene. It is expected to disrupt RNA splicing. Variants that disrupt the donor or acceptor splice site typically lead to a loss of protein function (PMID: 16199547), and loss-of-function variants in COL11A2 are known to be pathogenic (PMID: 10677296, 21204229). This variant is not present in population databases (gnomAD no frequency). This variant has not been reported in the literature in individuals affected with COL11A2-related conditions. Algorithms developed to predict the effect of sequence changes on RNA splicing suggest that this variant may disrupt the consensus splice site. In summary, the currently available evidence indicates that the variant is pathogenic, but additional data are needed to prove that conclusively. Therefore, this variant has been classified as Likely Pathogenic.

Literature cited by the submitters: PubMed 16199547; PubMed 10677296; PubMed 21204229.

NM_080680.3(COL11A2):c.4123-1G>C

Gene: COL11A2 (collagen type XI alpha 2 chain; minus strand). Cytogenetic location: 6p21.32.
Variant type: single nucleotide variant.
Coding change: c.4123-1G>C on transcript NM_080680.3 (MANE Select); the canonical splice acceptor site of the intron before coding-DNA position 4123, G replaced by C.
Molecular consequence: splice acceptor variant.
Genome position (GRCh38, 1-based): chr6:33,167,318, C>G on the plus strand (G>C on the coding strand, the complement: COL11A2 is on the minus strand). VCF-style: chr6-33167318-C-G. GRCh37 (hg19) VCF-style: chr6-33135095-C-G.
Other names: c.3097-1G>C (NM_001424111.1, NM_001424110.1); c.3802-1G>C (NM_080679.3); c.3865-1G>C (NM_080681.3); c.3943-1G>C (NM_001424108.1); c.3277-1G>C (NM_001424109.1); c.2077-1G>C (NM_001424112.1).
Identifiers: ClinVar variation 4781274 (VCV004781274.1).